The following is an entry in ClinVar:

ClinVar aggregate classification (germline): Uncertain significance (1 of 4 stars; one submission).

Submission:

GeneDx
Classification: Uncertain significance. Last evaluated: 2023-06-12. Review status: criteria provided, single submitter. Criteria: GeneDx Variant Classification Process June 2021. Collection method: clinical testing. Allele origin: germline. Affected: yes.
Comment: Not observed at significant frequency in large population cohorts (gnomAD); In silico analysis supports that this missense variant does not alter protein structure/function; Has not been previously published as pathogenic or benign to our knowledge

NM_014915.3(ANKRD26):c.1771G>A (p.Asp591Asn)

Gene: ANKRD26 (ankyrin repeat domain containing 26; minus strand). Cytogenetic location: 10p12.1.
Variant type: single nucleotide variant.
Coding change: c.1771G>A on transcript NM_014915.3 (MANE Select); coding-DNA position 1771, G replaced by A.
Protein change: p.Asp591Asn; replaces aspartic acid 591 with asparagine.
Molecular consequence: missense variant.
Genome position (GRCh38, 1-based): chr10:27,048,844, C>T on the plus strand (G>A on the coding strand, the complement: ANKRD26 is on the minus strand). VCF-style: chr10-27048844-C-T. GRCh37 (hg19) VCF-style: chr10-27337773-C-T.
Other names: c.1771G>A, p.Asp591Asn (NM_001256053.2); short protein forms D591N.
Identifiers: ClinVar variation 3253411 (VCV003253411.1), dbSNP rs2538895467.